The following is an entry in ClinVar:

ClinVar aggregate classification (germline): Uncertain significance (1 of 4 stars; one submission).

Conditions:
Hypertrophic cardiomyopathy. Also called: HYPERTROPHIC MYOCARDIOPATHY. Identifiers: Orphanet 217569, MedGen C0007194, MeSH D002312, MONDO:0005045, HP:0001639.

Allele frequency attached by ClinVar (database versions not stated): gnomAD below 0.00001 and 0.00001; gnomAD exomes 0.00001 and 0.00004; ExAC 0.00005.
gnomAD v4.1: 17 of 1,613,376 alleles (0.0011%); highest among the groups gnomAD compares: South Asian, 0.019%; no homozygotes.

Submission:

Labcorp Genetics (formerly Invitae), Labcorp
Classification: Uncertain significance for Hypertrophic cardiomyopathy. Last evaluated: 2024-12-24. Review status: criteria provided, single submitter. Criteria: Invitae Variant Classification Sherloc (09022015). Collection method: clinical testing. Allele origin: germline.
Comment: This sequence change replaces threonine, which is neutral and polar, with serine, which is neutral and polar, at codon 646 of the JPH2 protein (p.Thr646Ser). This variant is present in population databases (rs747762930, gnomAD 0.03%). This variant has not been reported in the literature in individuals affected with JPH2-related conditions. ClinVar contains an entry for this variant (Variation ID: 571843). An algorithm developed to predict the effect of missense changes on protein structure and function outputs the following: PolyPhen-2: "Benign". The serine amino acid residue is found in multiple mammalian species, which suggests that this missense change does not adversely affect protein function. In summary, the available evidence is currently insufficient to determine the role of this variant in disease. Therefore, it has been classified as a Variant of Uncertain Significance.

NM_020433.5(JPH2):c.1936A>T (p.Thr646Ser)

Gene: JPH2 (junctophilin 2; minus strand). Cytogenetic location: 20q13.12.
Variant type: single nucleotide variant.
Coding change: c.1936A>T on transcript NM_020433.5 (MANE Select); coding-DNA position 1936, A replaced by T.
Protein change: p.Thr646Ser; replaces threonine 646 with serine.
Molecular consequence: missense variant.
Genome position (GRCh38, 1-based): chr20:44,115,739, T>A on the plus strand (A>T on the coding strand, the complement: JPH2 is on the minus strand). VCF-style: chr20-44115739-T-A. GRCh37 (hg19) VCF-style: chr20-42744379-T-A.
Other names: short protein forms T646S.
Identifiers: ClinVar variation 571843 (VCV000571843.6), dbSNP rs747762930, ClinGen allele CA9868564.